The following is an entry in ClinVar:

ClinVar aggregate classification (germline): Pathogenic. Review status: criteria provided, multiple submitters, no conflicts (2 of 4 stars). 14 submissions from 12 submitters: Pathogenic (11). 3 of the submissions do not count toward it. Last evaluated 2026-04-30.

Conditions:
USH2A-related disorder. Also called: USH2A-related condition; USH2A-related disorders. Identifiers: MedGen CN239332.
Rare genetic deafness. Identifiers: Orphanet 96210, MedGen C5680250.
Retinitis pigmentosa 39 (RP39). Identifiers: Orphanet 791, MedGen C3151138, MONDO:0013436, OMIM 613809.
Usher syndrome type 2A. Also called: USHER SYNDROME, TYPE IIA; RETINAL DISEASE IN USHER SYNDROME TYPE IIA, MODIFIER OF. Identifiers: Orphanet 231178, Orphanet 886, MedGen C1848634, MONDO:0010169, OMIM 276901.

Allele frequency attached by ClinVar (database versions not stated): gnomAD 0.00001; gnomAD exomes 0.00001; ExAC 0.00002; TOPMed 0.00002; ESP Exome Variant Server 0.00015.
gnomAD v4.1: 47 of 1,613,098 alleles (0.0029%); highest among the groups gnomAD compares: Non-Finnish European, 0.0037%; no homozygotes.

Submissions (14):

GeneDx
Classification: Pathogenic. Last evaluated: 2026-04-30. Review status: criteria provided, single submitter. Criteria: GeneDx Variant Classification Process June 2021. Collection method: clinical testing. Allele origin: germline.
Comment: Identified in patients with Usher syndrome type 2 and retinitis pigmentosa in the published literature (PMID: 17405132, 26927203); Nonsense variant predicted to result in protein truncation or nonsense mediated decay in a gene for which loss of function is a known mechanism of disease; Not observed at significant frequency in large population cohorts (gnomAD); This variant is associated with the following publications: (PMID: 32531858, 25525159, 26927203, 34327195, 31964843, 36110214, 36819107, 36785559, 35372954, 32037395, 36011334, 34948090, 35266249, 34599366, 17405132)

Labcorp Genetics (formerly Invitae), Labcorp
Classification: Pathogenic. Last evaluated: 2026-01-20. Review status: criteria provided, single submitter. Criteria: Invitae Variant Classification Sherloc (09022015). Collection method: clinical testing. Allele origin: germline.
Comment: This sequence change creates a premature translational stop signal (p.Arg4935*) in the USH2A gene. It is expected to result in an absent or disrupted protein product. Loss-of-function variants in USH2A are known to be pathogenic (PMID: 10729113, 10909849, 20507924, 25649381). This variant is present in population databases (rs146733615, gnomAD 0.003%). This premature translational stop signal has been observed in individuals with Usher syndrome (PMID: 17405132, 29142287). ClinVar contains an entry for this variant (Variation ID: 177760). For these reasons, this variant has been classified as Pathogenic.

3billion
Classification: Pathogenic for Usher syndrome type 2A. Last evaluated: 2025-10-23. Review status: criteria provided, single submitter. Criteria: ACMG Guidelines, 2015. Collection method: clinical testing. Allele origin: germline. Affected: yes.
Comment: The variant is observed at an extremely low frequency in the gnomAD v4.1.0 dataset (total allele frequency: 0.003%). Predicted Consequence/Location: Stop-gained (nonsense): predicted to result in a loss or disruption of normal protein function through nonsense-mediated decay (NMD) or protein truncation. Multiple pathogenic variants are reported downstream of the variant. The variant has been reported at least twice as pathogenic with clinical assertions and evidence for the classification (ClinVar ID: VCV000177760 /PMID: 17405132). Therefore, this variant is classified as Pathogenic according to the recommendation of ACMG/AMP guideline.

Natera, Inc.
Classification: Pathogenic for Usher syndrome type 2A. Last evaluated: 2025-07-20. Review status: criteria provided, single submitter. Criteria: Natera Variant Classification Schema (03/2026). Collection method: clinical testing. Allele origin: germline.
Comment: The c.14803C>T variant in USH2A is a nonsense variant predicted to introduce a stop codon at amino acid 4935. This variant is expected to result in nonsense mediated decay, truncation, or a dysfunctional protein product. This variant is rare in the general population with a frequency below the threshold expected for the associated phenotype(s). This variant has been observed in one or more individuals affected with the associated recessive disease, as either homozygous or compound heterozygous with a second variant (PMID: 32531858). Given the available evidence, this variant is classified as Pathogenic.

Blueprint Genetics
Classification: Pathogenic for USH2A-related disorders. Last evaluated: 2024-08-26. Review status: criteria provided, single submitter. Criteria: ACMG Guidelines, 2015. Collection method: clinical testing. Allele origin: germline. Affected: yes. Observed: 5 variant alleles.

Fulgent Genetics
Classification: Pathogenic for Usher syndrome type 2A; Retinitis pigmentosa 39. Last evaluated: 2024-02-27. Review status: criteria provided, single submitter. Criteria: ACMG Guidelines, 2015. Collection method: clinical testing. Allele origin: germline.

Baylor Genetics
Classification: Pathogenic for Retinitis pigmentosa 39. Last evaluated: 2024-02-13. Review status: criteria provided, single submitter. Criteria: ACMG Guidelines, 2015. Collection method: clinical testing. Allele origin: unknown.

Genome-Nilou Lab
Classification: Pathogenic for Retinitis pigmentosa 39. Last evaluated: 2023-11-04. Review status: criteria provided, single submitter. Criteria: ACMG Guidelines, 2015. Collection method: clinical testing. Allele origin: germline. Affected: no.

Genome-Nilou Lab
Classification: Pathogenic for Usher syndrome type 2A. Last evaluated: 2023-11-04. Review status: criteria provided, single submitter. Criteria: ACMG Guidelines, 2015. Collection method: clinical testing. Allele origin: germline. Affected: no.

Centre for Genomic Medicine, Manchester, Central Manchester University Hospitals
Classification: Pathogenic for Usher syndrome type 2A. Last evaluated: 2019-02-01. Review status: criteria provided, single submitter. Criteria: ACMG Guidelines, 2015. Collection method: clinical testing. Allele origin: germline. Affected: yes. Observed: 1 variant allele, 1 compound heterozygote.

Laboratory for Molecular Medicine, Mass General Brigham Personalized Medicine
Classification: Pathogenic for Rare genetic deafness. Last evaluated: 2016-09-15. Review status: criteria provided, single submitter. Criteria: LMM Criteria. Collection method: clinical testing. Allele origin: germline. Inheritance: Autosomal recessive inheritance. Observed: 3 variant alleles.
Comment: The p.Arg4935X variant in USH2A has been previously reported in more than nine i ndividuals with either Usher syndrome type II or retinitis pigmentosa (Baux 2007 , Ebermann 2009, Sandberg 2008, McGee 2010, Besnard 2013, LMM data). This varia nt has been also identified in 2/66718 European chromosomes by the Exome Aggrega tion Consortium (dpSNP rs146733615). Although t his variant has been seen in the general population, its frequency is low enough to be consistent with a carrier frequency of a recessive disorder. This nonsens e variant leads to a premature termination codon at position 4935, which is pred icted to lead to a truncated or absent protein. In summary, this variant meets c riteria to be classified as pathogenic for autosomal recessive Usher syndrome.

PreventionGenetics, part of Exact Sciences
Classification: Pathogenic for USH2A-related condition. Last evaluated: 2024-01-08. Review status: no assertion criteria provided. Collection method: clinical testing. Allele origin: germline. Not counted in ClinVar's aggregate classification.
Comment: The USH2A c.14803C>T variant is predicted to result in premature protein termination (p.Arg4935*). This variant has been reported many times in individuals with Usher syndrome (see for examples: Baux et al. 2007. PubMed ID: 17405132; Supplemental table, Pierrache et al. 2016. PubMed ID: 26927203; Table S2, Weisschuh et al. 2020. PubMed ID: 32531858). This variant is reported in 0.0026% of alleles in individuals of European (Non-Finnish) descent in gnomAD. Nonsense variants in USH2A are expected to be pathogenic. Given the evidence, we interpret this variant as pathogenic.

Counsyl
Classification: Pathogenic for Usher syndrome type 2A. Last evaluated: 2016-08-18. Review status: no assertion criteria provided. Collection method: clinical testing. Allele origin: unknown. Not counted in ClinVar's aggregate classification.

Counsyl
Classification: Pathogenic for Retinitis pigmentosa 39. Last evaluated: 2016-08-18. Review status: no assertion criteria provided. Collection method: clinical testing. Allele origin: unknown. Not counted in ClinVar's aggregate classification.

Literature cited by the submitters: PubMed 10729113 (cited by Labcorp Genetics (formerly Invitae), Labcorp); PubMed 10909849 (cited by Labcorp Genetics (formerly Invitae), Labcorp); PubMed 20507924 (cited by 3 submitters); PubMed 25649381 (cited by Labcorp Genetics (formerly Invitae), Labcorp); PubMed 17405132 (cited by 4 submitters); PubMed 29142287 (cited by Labcorp Genetics (formerly Invitae), Labcorp); PubMed 32531858 (cited by Natera, Inc.); PubMed 18641288 (cited by Laboratory for Molecular Medicine, Mass General Brigham Personalized Medicine); PubMed 18665195 (cited by Laboratory for Molecular Medicine, Mass General Brigham Personalized Medicine); PubMed 24498627 (cited by Laboratory for Molecular Medicine, Mass General Brigham Personalized Medicine and Counsyl); PubMed 18665192 (cited by Counsyl).

NM_206933.4(USH2A):c.14803C>T (p.Arg4935Ter)

Gene: USH2A (usherin; minus strand). Cytogenetic location: 1q41.
Variant type: single nucleotide variant.
Coding change: c.14803C>T on transcript NM_206933.4 (MANE Select); coding-DNA position 14803, C replaced by T.
Protein change: p.Arg4935Ter; replaces arginine 4935 with a stop codon.
Molecular consequence: nonsense.
Genome position (GRCh38, 1-based): chr1:215,640,723, G>A on the plus strand (C>T on the coding strand, the complement: USH2A is on the minus strand). VCF-style: chr1-215640723-G-A. GRCh37 (hg19) VCF-style: chr1-215814065-G-A.
Other names: short protein forms R4935*.
Identifiers: ClinVar variation 177760 (VCV000177760.29), dbSNP rs146733615, ClinGen allele CA273457.